The following is an entry in ClinVar:

ClinVar aggregate classification (germline): Benign. Review status: criteria provided, multiple submitters, no conflicts (2 of 4 stars). 3 submissions from 3 submitters: Benign (3). Last evaluated 2026-09-01.

Allele frequency attached by ClinVar (database versions not stated): 1000 Genomes Project 30x 0.00328; 1000 Genomes Project 0.00399; ExAC 0.00706; ESP Exome Variant Server 0.00723; gnomAD exomes 0.00723 and 0.00946; gnomAD 0.00754 and 0.00808; TOPMed 0.00783.
gnomAD v4.1: 14,899 of 1,613,988 alleles (0.92%); highest among the groups gnomAD compares: Non-Finnish European, 1.1%; 93 homozygotes.

Submissions (3):

CeGaT Center for Human Genetics Tuebingen
Classification: Benign. Last evaluated: 2026-09-01. Review status: criteria provided, single submitter. Criteria: CeGaT Center For Human Genetics Tuebingen Variant Classification Criteria Version 2. Collection method: clinical testing. Allele origin: germline. Affected: yes. Observed: 23 variant alleles.
Comment: LTBP1: BS1, BS2

Labcorp Genetics (formerly Invitae), Labcorp
Classification: Benign. Last evaluated: 2019-12-31. Review status: criteria provided, single submitter. Criteria: Invitae Variant Classification Sherloc (09022015). Collection method: clinical testing. Allele origin: germline.

Breakthrough Genomics
Classification: Benign. Review status: criteria provided, single submitter. Criteria: ACMG Guidelines, 2015. Collection method: not provided. Allele origin: germline. Inheritance: Autosomal recessive inheritance. Affected: yes.

NM_206943.4(LTBP1):c.3797C>T (p.Ser1266Phe)

Gene: LTBP1 (latent transforming growth factor beta binding protein 1; plus strand). Cytogenetic location: 2p22.3.
Variant type: single nucleotide variant.
Coding change: c.3797C>T on transcript NM_206943.4 (MANE Select); coding-DNA position 3797, C replaced by T.
Protein change: p.Ser1266Phe; replaces serine 1266 with phenylalanine.
Molecular consequence: missense variant. On other transcripts: intron variant (11).
Genome position (GRCh38, 1-based): chr2:33,342,904, C>T. VCF-style: chr2-33342904-C-T. GRCh37 (hg19) VCF-style: chr2-33567971-C-T.
Other names: c.2819C>T, p.Ser940Phe (NM_000627.4, NM_001394912.1); c.2660C>T, p.Ser887Phe (NM_001166265.2); c.3638C>T, p.Ser1213Phe (NM_001394905.1); c.2816C>T, p.Ser939Phe (NM_001394906.1); c.2732C>T, p.Ser911Phe (NM_001394907.1); c.2699C>T, p.Ser900Phe (NM_001394908.1); c.2693C>T, p.Ser898Phe (NM_001394909.1); c.2690C>T, p.Ser897Phe (NM_001394911.1); and 16 more; short protein forms S1266F, S887F, S940F, S1213F, S805F, S845F, S859F, S870F.
Identifiers: ClinVar variation 774405 (VCV000774405.32), dbSNP rs61751742, ClinGen allele CA1607904.